The following is an entry in ClinVar:

NM_020778.5(ALPK3):c.1103_1113del (p.Thr368fs)

Gene: ALPK3 (alpha kinase 3; plus strand). Cytogenetic location: 15q25.3.
Variant type: Deletion.
Coding change: c.1103_1113del on transcript NM_020778.5 (MANE Select); coding-DNA positions 1103 to 1113, 11 bases deleted (CCCAGCCCAGA).
Protein change: p.Thr368fs; shifts the reading frame from threonine 368.
Molecular consequence: frameshift variant.
Genome position (GRCh38, 1-based): chr15:84,840,382-84,840,392, CCCAGCCCAGA deleted; deleting any 11 consecutive bases within chr15:84,840,378-84,840,392 gives the same sequence; the c. name uses the placement nearest the transcript's 3' end. VCF-style (leftmost placement, unchanged base first): chr15-84840377-TCAGACCCAGCC-T. GRCh37 (hg19) VCF-style: chr15-85383608-TCAGACCCAGCC-T.
Other names: short protein forms T368fs.
Identifiers: ClinVar variation 1805250 (VCV001805250.3), dbSNP rs2505705997, ClinGen allele CA2573050767.
Genomic context (GRCh38, chr15:84,840,377, plus strand): 5'-CCCCAGCTCAGACGAGCCTGACTCCTGTGGGACTCAGGGGCCCGTGGGCGTGGAGCAGGT[TCAGACCCAGCC>T]CAGAGGCAGGGCTGCACGGGGGCCTGGGTCCTCTGGCACAGATAGTACCAGGAAGCCAGC-3'

ClinVar aggregate classification (germline): Likely pathogenic. Review status: criteria provided, multiple submitters, no conflicts (2 of 4 stars). 2 submissions from 2 submitters: Likely pathogenic (2). Last evaluated 2022-07-27.

Conditions:
ALPK3-related disorder. Also called: ALPK3-related condition.
Cardiomyopathy, familial hypertrophic 27. Identifiers: MedGen C4748014, MONDO:0054838, OMIM 618052.

Submissions (2):

Blueprint Genetics
Classification: Likely pathogenic for ALPK3-related disorders. Last evaluated: 2022-07-27. Review status: criteria provided, single submitter. Criteria: ACMG Guidelines, 2015. Collection method: clinical testing. Allele origin: germline. Affected: yes. Observed: 1 variant allele.

Victorian Clinical Genetics Services, Murdoch Childrens Research Institute
Classification: Likely pathogenic for Cardiomyopathy, familial hypertrophic 27. Last evaluated: 2022-02-02. Review status: criteria provided, single submitter. Criteria: ACMG Guidelines, 2015. Collection method: clinical testing. Allele origin: germline.
Comment: Based on the classification scheme VCGS_Germline_v1.3.4, this variant is classified as Likely Pathogenic. Following criteria are met: 0102 - Loss of function is a known mechanism of disease in this gene and is associated with familial hypertrophic cardiomyopathy 27 (MIM#618052). (I) 0106 - This gene is associated with autosomal recessive disease. However, emerging evidence supports autosomal dominant inheritance in adults with age-dependent penetrance (PMID: 32480058, PMID: 34263907). (I) 0201 - Variant is predicted to cause nonsense-mediated decay (NMD) and loss of protein (premature termination codon is located at least 54 nucleotides upstream of the final exon-exon junction). (SP) 0251 - This variant is heterozygous. (I) 0301 - Variant is absent from gnomAD (both v2 and v3). (SP) 0701 - Other NMD-predicted variants comparable to the one identified in this case have very strong previous evidence for pathogenicity. These variants have been reported many times as pathogenic, and observed in individuals with hypertrophic cardiomyopathy (HCM) (DECIPHER). (SP) 0807 - This variant has no previous evidence of pathogenicity. (I) 0905 - No published segregation evidence has been identified for this variant. (I) 1007 - No published functional evidence has been identified for this variant. (I) Legend: (SP) - Supporting pathogenic, (I) - Information, (SB) - Supporting benign

Literature cited by the submitters: PubMed 32480058 (cited by Victorian Clinical Genetics Services, Murdoch Childrens Research Institute); PubMed 34263907 (cited by Victorian Clinical Genetics Services, Murdoch Childrens Research Institute).